The following is an entry in ClinVar:

NM_006258.4(PRKG1):c.424G>A (p.Asp142Asn)

Gene: PRKG1 (protein kinase cGMP-dependent 1; plus strand). Cytogenetic location: 10q21.1.
Variant type: single nucleotide variant.
Coding change: c.424G>A on transcript NM_006258.4 (MANE Select); coding-DNA position 424, G replaced by A.
Protein change: p.Asp142Asn; replaces aspartic acid 142 with asparagine.
Molecular consequence: missense variant.
Genome position (GRCh38, 1-based): chr10:51,153,276, G>A. VCF-style: chr10-51153276-G-A. GRCh37 (hg19) VCF-style: chr10-52913036-G-A.
Other names: c.379G>A, p.Asp127Asn (NM_001098512.3); c.424G>A, p.Asp142Asn (NM_001374782.1); short protein forms D127N, D142N.
Identifiers: ClinVar variation 4694503 (VCV004694503.1).

ClinVar aggregate classification (germline): Uncertain significance (1 of 4 stars; one submission).

Conditions:
Aortic aneurysm, familial thoracic 8 (AAT8). Identifiers: MedGen C3809513, MONDO:0014187, OMIM 615436.

gnomAD v4.1: 1 of 1,612,318 alleles (0.000062%); highest among the groups gnomAD compares: Non-Finnish European, 0.000085%; no homozygotes.

Submission:

Labcorp Genetics (formerly Invitae), Labcorp
Classification: Uncertain significance for Aortic aneurysm, familial thoracic 8. Last evaluated: 2026-01-04. Review status: criteria provided, single submitter. Criteria: Invitae Variant Classification Sherloc (09022015). Collection method: clinical testing. Allele origin: germline.
Comment: This sequence change replaces aspartic acid, which is acidic and polar, with asparagine, which is neutral and polar, at codon 142 of the PRKG1 protein (p.Asp142Asn). This variant is not present in population databases (gnomAD no frequency). This variant has not been reported in the literature in individuals affected with PRKG1-related conditions. An algorithm developed to predict the effect of missense changes on protein structure and function (PolyPhen-2) suggests that this variant is likely to be tolerated. In summary, the available evidence is currently insufficient to determine the role of this variant in disease. Therefore, it has been classified as a Variant of Uncertain Significance.